The following is an entry in ClinVar:

ClinVar aggregate classification (germline): Pathogenic/Likely pathogenic. Review status: criteria provided, multiple submitters, no conflicts (2 of 4 stars). 16 submissions from 16 submitters: Pathogenic (13); Likely pathogenic (3). Last evaluated 2026-01-12.

Conditions:
MYBPC3-related disorder. Also called: MYBPC3-related disorders; MYBPC3-related condition; MYBPC3-related disease.
Cardiovascular phenotype. Identifiers: MedGen CN230736.
Cardiomyopathy (CMYO). Also called: Cardiomyopathies. Identifiers: Orphanet 167848, MedGen C0878544, MONDO:0004994, HP:0001638. Inheritance: Various modes of inheritance.
Hypertrophic cardiomyopathy 4. Also called: Familial hypertrophic cardiomyopathy 4. Identifiers: MedGen C1861862, MONDO:0007268, OMIM 115197.
Primary familial hypertrophic cardiomyopathy (HCM). Identifiers: Orphanet 99739, MedGen C0949658, MeSH D024741, MONDO:0024573. Inheritance: Various modes of inheritance.
Hypertrophic cardiomyopathy. Also called: HYPERTROPHIC MYOCARDIOPATHY. Identifiers: Orphanet 217569, MedGen C0007194, MeSH D002312, MONDO:0005045, HP:0001639.

Allele frequency attached by ClinVar (database versions not stated): TOPMed below 0.00001; ExAC 0.00001; gnomAD 0.00001; gnomAD exomes 0.00001.
gnomAD v4.1: 14 of 1,607,902 alleles (0.00087%); highest among the groups gnomAD compares: South Asian, 0.0011%; no homozygotes.

Submissions 1 to 9 of 16:

Labcorp Genetics (formerly Invitae), Labcorp
Classification: Pathogenic for Hypertrophic cardiomyopathy. Last evaluated: 2026-01-12. Review status: criteria provided, single submitter. Criteria: Invitae Variant Classification Sherloc (09022015). Collection method: clinical testing. Allele origin: germline.
Comment: This sequence change falls in intron 14 of the MYBPC3 gene. It does not directly change the encoded amino acid sequence of the MYBPC3 protein. RNA analysis indicates that this variant induces altered splicing and may result in an absent or altered protein product. This variant is present in population databases (rs397515893, gnomAD 0.004%). This variant has been observed in individuals with hypertrophic cardiomyopathy (PMID: 12110947, 23782526, 28797094; internal data). It has also been observed to segregate with disease in related individuals. ClinVar contains an entry for this variant (Variation ID: 42513). Studies have shown that this variant results in use of a cryptic splice site, and produces a non-functional protein and/or introduces a premature termination codon (PMID: 12110947). For these reasons, this variant has been classified as Pathogenic.

Color Diagnostics, LLC DBA Color Health
Classification: Pathogenic for Cardiomyopathy. Last evaluated: 2025-09-12. Review status: criteria provided, single submitter. Criteria: ACMG Guidelines, 2015. Collection method: clinical testing. Allele origin: germline.
Comment: This variant causes a G to A nucleotide substitution at the -13 position of intron 14 of the MYBPC3 gene. A functional study using RNA derived from a carrier individual has shown that this variant results in aberrant splicing and is predicted to create a frameshift and premature translation stop signal (PMID: 12110947). This variant has been reported in at least 15 individuals affected with hypertrophic cardiomyopathy (PMID: 12110947, 22267749, 22857948, 24888384, 32163302, 32451163, 33673806, 35508642, 37178278). It has been shown that this variant segregates with disease in 8 affected relatives from 3 families (PMID: 12110947, 22267749, 32451163). This variant has been identified in 4/270442 chromosomes in the general population by the Genome Aggregation Database (gnomAD). Loss of MYBPC3 function is a known mechanism of disease. Based on the available evidence, this variant is classified as Pathogenic.

Institute of Human Genetics, University of Leipzig Medical Center
Classification: Pathogenic for Hypertrophic cardiomyopathy 4. Last evaluated: 2025-08-07. Review status: criteria provided, single submitter. Criteria: ACMG Guidelines, 2015. Collection method: clinical testing. Allele origin: unknown. Inheritance: Autosomal dominant inheritance. Affected: yes.
Comment: Criteria applied: PS3,PS4,PP1_STR,PM2_SUP,PP3

Revvity Omics, Revvity
Classification: Likely pathogenic. Last evaluated: 2025-03-14. Review status: criteria provided, single submitter. Criteria: ACMG Guidelines, 2015. Collection method: clinical testing. Allele origin: germline.

Blueprint Genetics
Classification: Pathogenic for MYBPC3-related disorders. Last evaluated: 2024-11-06. Review status: criteria provided, single submitter. Criteria: ACMG Guidelines, 2015. Collection method: clinical testing. Allele origin: germline. Affected: yes. Observed: 5 variant alleles.

GeneDx
Classification: Pathogenic. Last evaluated: 2024-01-26. Review status: criteria provided, single submitter. Criteria: GeneDx Variant Classification Process June 2021. Collection method: clinical testing. Allele origin: germline. Affected: yes.
Comment: Not observed at significant frequency in large population cohorts (gnomAD); Published cDNA analysis performed from RNA of a patient with this variant demonstrated a damaging effect through creation of a new cryptic splice acceptor site upstream of the natural site, which results in insertion of intronic sequence, frameshift, and introduction of a premature stop codon (PMID: 12110947); In silico analysis supports a deleterious effect on splicing; This variant is associated with the following publications: (PMID: 25228707, 26936621, 28797094, 23782526, 22267749, 24704860, 24888384, 30775854, 32163302, 12110947, 33673806, 22857948, 32451163, 18273486, 25611685, 34461741, 28679633)

All of Us Research Program, National Institutes of Health
Classification: Pathogenic for Hypertrophic cardiomyopathy. Last evaluated: 2023-11-09. Review status: criteria provided, single submitter. Criteria: ACMG Guidelines, 2015. Collection method: clinical testing. Allele origin: germline. Inheritance: Autosomal dominant inheritance. Observed: 3 variant alleles, 3 heterozygotes.
Comment: The c.1227-13G>A variant of the MYBPC3 gene has been observed in multiple individuals with hypertrophic cardiomyopathy (PMID: 12110947, 22857948, 23782526, 22267749, 32451163, 33673806). It has also been observed to segregate with disease in related individuals (PMID: 12110947, 32451163). RNA analysis from peripheral blood obtained from an affected individual showed that this variant introduces a cryptic splice site leading to an insertion of 11 intronic nucleotides and subsequently a frameshift and premature termination codon (PMID: 12110947). The resulting mRNA is expected to undergo nonsense-mediated decay. Loss-of-function variants in MYBPC3 are known to be pathogenic (PMID: 19574547). Based on these evidence, the c.1227-13G>A variant in MYBPC3 is classified as pathogenic.

This study involves interpretation of variants in research participants for the purpose of population health screening. Participant phenotype was not available at the time of variant classification. Additional details can be found in publication PMID: 35346344, PMCID: PMC8962531

Molecular Genetics, Royal Melbourne Hospital
Classification: Pathogenic for Hypertrophic cardiomyopathy 4. Last evaluated: 2023-11-05. Review status: criteria provided, single submitter. Criteria: ACMG Guidelines, 2015. Collection method: clinical testing. Allele origin: germline. Inheritance: Autosomal dominant inheritance. Affected: yes.
Comment: This sequence change in MYBPC3 is an intronic variant located in intron 14. The highest population minor allele frequency in the population database gnomAD v2.1 is 0.007% (2/23,872 alleles) in the Finnish population, while the highest non-founder population minor allele frequency is 0.003% (1/34,354 alleles) in the Latino/Admixed American population which is consistent with hypertrophic cardiomyopathy. This variant has been reported in multiple unrelated individuals with hypertrophic cardiomyopathy and segregates with disease in at least two families (PMID: 12110947, 25611685, 32451163, 33673806). The results from an in silico splicing predictor (SpliceAI) indicate that this variant may impact splicing by disrupting the acceptor splice site of intron 14 of MYBPC3. This prediction is confirmed by splicing assays demonstrating that the variant impacts splicing by activating an acceptor site leading to an 11 bp insertion of intron 14 that is expected to undergo nonense-mediated decay (PMID: 12110947, 28679633). Based on the classification scheme RMH Modified ACMG/AMP Guidelines v1.6.1, this variant is classified as PATHOGENIC. Following criteria are met: PVS1, PS4, PP1_Moderate, PM2_Supporting.

3billion
Classification: Pathogenic for Hypertrophic cardiomyopathy 4. Last evaluated: 2023-02-23. Review status: criteria provided, single submitter. Criteria: ACMG Guidelines, 2015. Collection method: clinical testing. Allele origin: unknown. Affected: yes.
Comment: The variant is observed at an extremely low frequency in the gnomAD v2.1.1 dataset (total allele frequency: 0.001%). This variant was previously reported to alter splicing and result in a loss of normal protein fucnction through nonsense-mediated decay (NMD) or protein truncation (ClinVar ID: RCV000009137). The variant has been reported to co-segregate with the disease in at least 7 similarly affected relatives/individuals in at least two unrelated families (PMID: 12110947, 23782526, 25611685, 28797094). The variant has been reported at least twice as pathogenic with clinical assertions and evidence for the classification (ClinVar ID: VCV000042513). Therefore, this variant is classified as Pathogenic according to the recommendation of ACMG/AMP guideline.

NM_000256.3(MYBPC3):c.1227-13G>A

Gene: MYBPC3 (myosin binding protein C3; minus strand). Cytogenetic location: 11p11.2.
Variant type: single nucleotide variant.
Coding change: c.1227-13G>A on transcript NM_000256.3 (MANE Select); 13 bases into the intron before coding-DNA position 1227, G replaced by A.
Molecular consequence: intron variant.
Genome position (GRCh38, 1-based): chr11:47,343,158, C>T on the plus strand (G>A on the coding strand, the complement: MYBPC3 is on the minus strand). VCF-style: chr11-47343158-C-T. GRCh37 (hg19) VCF-style: chr11-47364709-C-T.
Identifiers: ClinVar variation 42513 (VCV000042513.39), dbSNP rs397515893, ClinGen allele CA009952.